The following is an entry in ClinVar:

ClinVar aggregate classification (germline): Conflicting classifications of pathogenicity. Review status: criteria provided, conflicting classifications (1 of 4 stars). 3 submissions from 3 submitters: Uncertain significance (1); Likely benign (2). Last evaluated 2025-02-07.

Conditions:
Tuberous sclerosis 2 (TSC2). Identifiers: Orphanet 805, MedGen C1860707, MONDO:0013199, OMIM 613254.

Submissions (3):

Labcorp Genetics (formerly Invitae), Labcorp
Classification: Uncertain significance for Tuberous sclerosis 2. Last evaluated: 2025-02-07. Review status: criteria provided, single submitter. Criteria: Invitae Variant Classification Sherloc (09022015). Collection method: clinical testing. Allele origin: germline.
Comment: This sequence change falls in intron 23 of the TSC2 gene. It does not directly change the encoded amino acid sequence of the TSC2 protein. It affects a nucleotide within the consensus splice site. This variant is not present in population databases (gnomAD no frequency). This variant has not been reported in the literature in individuals affected with TSC2-related conditions. ClinVar contains an entry for this variant (Variation ID: 1060156). Variants that disrupt the consensus splice site are a relatively common cause of aberrant splicing (PMID: 17576681, 9536098). Algorithms developed to predict the effect of sequence changes on RNA splicing suggest that this variant is not likely to affect RNA splicing. In summary, the available evidence is currently insufficient to determine the role of this variant in disease. Therefore, it has been classified as a Variant of Uncertain Significance.

Genome-Nilou Lab
Classification: Likely benign for Tuberous sclerosis 2. Last evaluated: 2021-11-07. Review status: criteria provided, single submitter. Criteria: ACMG Guidelines, 2015. Collection method: clinical testing. Allele origin: germline. Affected: no.

GeneDx
Classification: Likely benign. Last evaluated: 2019-09-13. Review status: criteria provided, single submitter. Criteria: GeneDx Variant Classification Process June 2021. Collection method: clinical testing. Allele origin: germline. Affected: yes.

Literature cited by the submitters: PubMed 17576681 (cited by Labcorp Genetics (formerly Invitae), Labcorp); PubMed 9536098 (cited by Labcorp Genetics (formerly Invitae), Labcorp).

NM_000548.5(TSC2):c.2639+6T>C

Gene: TSC2 (TSC complex subunit 2; plus strand). Cytogenetic location: 16p13.3.
Variant type: single nucleotide variant.
Coding change: c.2639+6T>C on transcript NM_000548.5 (MANE Select); 6 bases into the intron after coding-DNA position 2639, T replaced by C.
Molecular consequence: intron variant.
Genome position (GRCh38, 1-based): chr16:2,075,898, T>C. VCF-style: chr16-2075898-T-C. GRCh37 (hg19) VCF-style: chr16-2125899-T-C.
Other names: c.2639+6T>C (NM_001114382.3, NM_021055.3, NM_001370405.1 and 3 more transcripts); c.2528+6T>C (NM_001318827.2); c.2039+6T>C (NM_001318831.2); c.2492+6T>C (NM_001318829.2); c.2672+6T>C (NM_001318832.2).
Identifiers: ClinVar variation 1060156 (VCV001060156.12), dbSNP rs2151382514, ClinGen allele CA2499223303.
Genomic context (GRCh38, chr16:2,075,898, plus strand): 5'-CGGAGCAGTATGCCAGTGTGTTCGCCATCTCCCTGCCGTACACCAACCCCTCCAAGTGAG[T>C]GGTCGCCCCAGGCCCTGTGCCTCCCAGCCGTGGCCCCCGCTAGGCCTTGCGGCAGAAAGC-3'